The following is an entry in ClinVar:

ClinVar aggregate classification (germline): Pathogenic (1 of 4 stars; one submission).

Submission:

Labcorp Genetics (formerly Invitae), Labcorp
Classification: Pathogenic. Last evaluated: 2022-05-15. Review status: criteria provided, single submitter. Criteria: Invitae Variant Classification Sherloc (09022015). Collection method: clinical testing. Allele origin: germline.
Comment: This sequence change creates a premature translational stop signal (p.Gln54*) in the SF3B4 gene. It is expected to result in an absent or disrupted protein product. Loss-of-function variants in SF3B4 are known to be pathogenic (PMID: 22541558, 23568615). This variant is not present in population databases (gnomAD no frequency). This variant has not been reported in the literature in individuals affected with SF3B4-related conditions. For these reasons, this variant has been classified as Pathogenic.

Literature cited by the submitters: PubMed 22541558; PubMed 23568615.

NM_005850.5(SF3B4):c.160C>T (p.Gln54Ter)

Gene: SF3B4 (splicing factor 3b subunit 4; minus strand). Cytogenetic location: 1q21.2.
Variant type: single nucleotide variant.
Coding change: c.160C>T on transcript NM_005850.5 (MANE Select); coding-DNA position 160, C replaced by T.
Protein change: p.Gln54Ter; replaces glutamine 54 with a stop codon.
Molecular consequence: nonsense.
Genome position (GRCh38, 1-based): chr1:149,927,169, G>A on the plus strand (C>T on the coding strand, the complement: SF3B4 is on the minus strand). VCF-style: chr1-149927169-G-A. GRCh37 (hg19) VCF-style: chr1-149899061-G-A.
Other names: short protein forms Q54*.
Identifiers: ClinVar variation 1994811 (VCV001994811.4), dbSNP rs2525125637, ClinGen allele CA342278934.